The following continues an entry in ClinVar:

NM_004004.6(GJB2):c.139G>T (p.Glu47Ter)

Gene: GJB2. ClinVar aggregate classification (germline): Pathogenic. Pathogenic (25).

Submissions 11 to 29 of 31:

GeneDx
Classification: Pathogenic. Last evaluated: 2022-03-02. Review status: criteria provided, single submitter. Criteria: GeneDx Variant Classification Process June 2021. Collection method: clinical testing. Allele origin: germline. Affected: yes.
Comment: Nonsense variant predicted to result in protein truncation, as the last 180 amino acids are lost, and other loss-of-function variants have been reported downstream in the Human Gene Mutation Database (HGMD); This variant is associated with the following publications: (PMID: 9336442, 15070423, 32645618, 31589614, 29871260, 15964725, 30094485, 22429511, 29447821, 29625052, 30275481, 31160754, 33096615, 26553399, 21465647, 26990548, 27153395, 33105617)

Department of Otolaryngology – Head & Neck Surgery, Cochlear Implant Center
Classification: Pathogenic for Hearing impairment. Last evaluated: 2021-04-12. Review status: criteria provided, single submitter. Criteria: ClinGen HL ACMG Specifications v1. Collection method: clinical testing. Allele origin: germline. Affected: yes.
Comment: PVS1_Strong, PS1_Strong, PM2_Moderate, PM3_Moderate, PM5_Moderate

INGEBI, INGEBI / CONICET
Classification: Pathogenic for Nonsyndromic hearing loss and deafness. Last evaluated: 2020-08-21. Review status: criteria provided, single submitter. Criteria: ClinGen HL ACMG Specifications v1. Collection method: clinical testing. Allele origin: germline. Inheritance: Autosomal recessive inheritance. Affected: yes. Observed: 6 variant alleles. Clinical features observed: Prelingual profound bilateral hearing loss.
Comment: Based on ACMG/AMP guidelines and Hearing Loss Expert Panel specific criteria: the filtering allele frequency of the c.139 G>T (p.Glu47*) variant in the GJB2 gene is 0.02% (13/35412) of Latino chromosomes by the Genome Aggregation Database; (calculated by using inverse allele frequency at ttps://), which meets the PM2_Supporting rule. The p.Glu47* variant is predicted to cause a premature stop codon in the only exon of GJB2 that leads to a truncated or absent protein in a gene in which loss-of-function is an established mechanism of disease (PVS1). This variant has been detected in patients with hearing loss in trans with at least 4 pathogenic or suspected-pathogenic variants (PM3_VeryStrong; PMID: 9336442, 10905664, 12910486, 14985372, 24158611). The c.139G>T variant meets criteria to be classified as pathogenic for autosomal recessive non-syndromic hearing loss: (PVS1, PM2_Supporting, PM3_VeryStrong).

Myriad Genetics, Inc.
Classification: Pathogenic for Autosomal recessive nonsyndromic hearing loss 1A. Last evaluated: 2019-12-26. Review status: criteria provided, single submitter. Criteria: Myriad Women's Health Autosomal Recessive and X-Linked Classification Criteria (2019). Collection method: clinical testing. Allele origin: unknown.
Comment: NM_004004.5(GJB2):c.139G>T(E47*) is classified as pathogenic in the context of GJB2-related DFNB1 nonsyndromic hearing loss and deafness. Sources cited for classification include the following: PMID 21465647 and 17041943. Classification of NM_004004.5(GJB2):c.139G>T(E47*) is based on the following criteria: The variant causes a premature termination codon that is not expected to be targeted by nonsense-mediated mRNA decay; however, literature evidence strongly supports pathogenicity. Please note: this variant was assessed in the context of healthy population screening.

Laboratory for Molecular Medicine, Mass General Brigham Personalized Medicine
Classification: Pathogenic for Rare genetic deafness. Last evaluated: 2019-11-27. Review status: criteria provided, single submitter. Criteria: ACMG Guidelines, 2015. Collection method: clinical testing. Allele origin: germline. Inheritance: Autosomal recessive inheritance.
Comment: The Glu47X variant has been reported in over 20 probands with hearing loss, many of whom were homozygous or compound heterozygous with another GJB2 variant (Kenna 2001, Kenna 2001, Abidi 2007, Denoyelle 1997, Ben Arab 2000, Chora 2010, Dalamón 2005, Marlin 2005, Masmoudi 2000, Neocleous 2006, Pallares-Ruiz 2002, Rabionet 2000, Ravecca 2005, Samanich 2007, Toth 2004, Wang 2009, Wu 2003). It has been identified in 0.03% (13/35412) of Latino chromosomes by gnomAD. This variant leads to a premature stop codon at position 47, which is predicted to lead to a truncated or absent protein. In summary, this variant meets criteria to be classified as pathogenic for autosomal recessive hearing loss. ACMG/AMP criteria applied: PVS1, PM3_VeryStrong.

Knight Diagnostic Laboratories, Oregon Health and Sciences University
Classification: Pathogenic for Deafness, autosomal recessive 1A. Last evaluated: 2019-04-04. Review status: criteria provided, single submitter. Criteria: ACMG Guidelines, 2015. Collection method: clinical testing. Allele origin: germline. Observed: 1 variant allele.

Center of Genomic medicine, Geneva, University Hospital of Geneva
Classification: Pathogenic for Autosomal recessive nonsyndromic hearing loss 1A. Last evaluated: 2018-11-08. Review status: criteria provided, single submitter. Criteria: ACMG Guidelines, 2015. Collection method: clinical testing. Allele origin: maternal. Affected: yes. Observed: 1 variant allele.

Women's Health and Genetics/Laboratory Corporation of America, LabCorp
Classification: Pathogenic for Autosomal recessive nonsyndromic hearing loss 1A. Last evaluated: 2017-06-06. Review status: criteria provided, single submitter. Criteria: LabCorp Variant Classification Summary - May 2015. Collection method: clinical testing. Allele origin: germline.
Comment: Variant summary: The GJB2 c.139G>T (p.Glu47X) variant results in a premature termination codon, predicted to cause a truncated or absent GJB2 protein due to nonsense mediated decay, which are commonly known mechanisms for disease. Truncations downstream of this position have been classified as pathogenic by our laboratory (e.g. c.167delT, p.Leu56fsX26; c.169C>T, p.Gln57X; c.176_191delGCTGCAAGAACGTGTG, p.Gly59fsX18; c.235delC, p.Leu79fsX3). One in silico tool predicts a damaging outcome for this variant. The variant of interest has been found in a large, broad control population, ExAC in 23/128870 control chromosomes at a frequency of 0.0001785, which does not exceed the estimated maximal expected allele frequency of a pathogenic GJB2 variant (0.0003376). This variant is a common variant found in NSHL patients (homozygotes and compound heterozygotes) (Denoyelle_HMG_1997, Snoeckx_AJHG_2005, Dai_J Trans Med_2009), including one patient where it occurred as a trimutation, p.S19R/p.R32S/p.E47* (Martinez-Saucedo_IJPO_2015). In addition, multiple clinical diagnostic laboratories/reputable databases classified this variant as pathogenic. Taken together, this variant is classified as pathogenic.

Genomic Diagnostic Laboratory, Division of Genomic Diagnostics, Children's Hospital of Philadelphia
Classification: Pathogenic for Deafness, autosomal recessive 1A. Last evaluated: 2017-05-09. Review status: criteria provided, single submitter. Criteria: DGD Variant Analysis Guidelines. Collection method: clinical testing. Allele origin: germline. Affected: yes and no. Observed: 3 variant alleles.

Center for Pediatric Genomic Medicine, Children's Mercy Hospital and Clinics
Classification: Pathogenic. Last evaluated: 2017-04-26. Review status: criteria provided, single submitter. Criteria: ACMG Guidelines, 2015. Collection method: clinical testing. Allele origin: germline.

Genetic Services Laboratory, University of Chicago
Classification: Pathogenic for Hearing impairment. Last evaluated: 2013-02-08. Review status: criteria provided, single submitter. Criteria: ACMG Guidelines, 2007. Collection method: clinical testing. Allele origin: germline. Inheritance: Autosomal recessive inheritance. Affected: yes.

Eurofins Ntd Llc (ga)
Classification: Pathogenic. Last evaluated: 2012-08-28. Review status: criteria provided, single submitter. Criteria: EGL Classification Definitions. Collection method: clinical testing. Allele origin: germline. Observed: 7 variant alleles, 7 heterozygotes.

Clinical Biomedical Laboratory, Shriners Hospital For Children - Canada
Classification: Pathogenic for Autosomal recessive nonsyndromic hearing loss 1A. Review status: criteria provided, single submitter. Criteria: ACMG Guidelines, 2015. Collection method: clinical testing. Allele origin: germline. Affected: yes.
Comment: This variant is predicted to introduce a premature stop codon in exon 2 of GJB2. This variant very rare in the Genome Aggregation Database, v2.1.1. A premature stop codon in the only exon of GJB2 leads to a truncated or absent protein in a gene in which loss-of-function is an established mechanism of disease. Based on the ACMG variant interpretation guidelines, the available evidence supports classification of this variant as pathogenic.

Clinical Genetics Service, Universitary Hospital 12 de Octubre
Classification: Pathogenic for Autosomal recessive nonsyndromic hearing loss 1A. Review status: criteria provided, single submitter. Criteria: ACMG Guidelines, 2015. Collection method: clinical testing. Allele origin: germline. Affected: yes.

Juno Genomics, Hangzhou Juno Genomics, Inc
Classification: Pathogenic for Autosomal recessive nonsyndromic hearing loss 1A. Review status: criteria provided, single submitter. Criteria: ACMG Guidelines, 2015. Collection method: clinical testing. Allele origin: germline. Affected: yes.
Comment: Null variant in a gene where loss of function (LOF) is a known mechanism of disease.;For recessive disorders, detected in trans with a pathogenic variant.;Co-segregation with disease in multiple affected family members in a gene definitively known to cause the disease.

PreventionGenetics, part of Exact Sciences
Classification: Pathogenic for GJB2-related condition. Last evaluated: 2024-09-19. Review status: no assertion criteria provided. Collection method: clinical testing. Allele origin: germline. Not counted in ClinVar's aggregate classification.
Comment: The GJB2 c.139G>T variant is predicted to result in premature protein termination (p.Glu47*). This variant has been reported to be causative for autosomal recessive sensorineural hearing loss (Denoyelle et al. 1997. PubMed ID: 9336442; Roux et al. 2004. PubMed ID: 15070423; Ben Said et al. 2012. PubMed ID: 22429511). This variant is reported in 0.037% of alleles in individuals of Latino descent in gnomAD. Nonsense variants in GJB2 are expected to be pathogenic. This variant is interpreted as pathogenic.

Clinical Molecular Genetics Laboratory, Johns Hopkins All Children's Hospital
Classification: Pathogenic for Hearing loss. Last evaluated: 2017-01-10. Review status: no assertion criteria provided. Collection method: clinical testing. Allele origin: germline. Affected: yes. Not counted in ClinVar's aggregate classification.

OMIM
Classification: Pathogenic for DEAFNESS, AUTOSOMAL RECESSIVE 1A. Last evaluated: 1998-05-28. Review status: no assertion criteria provided. Collection method: literature only. Allele origin: germline. Not counted in ClinVar's aggregate classification.

Clinical Genetics DNA and cytogenetics Diagnostics Lab, Erasmus MC, Erasmus Medical Center
Classification: Pathogenic. Review status: no assertion criteria provided. Collection method: clinical testing. Allele origin: germline. Affected: yes. Study: VKGL Data-share Consensus. Not counted in ClinVar's aggregate classification.